The following is an entry in ClinVar:

ClinVar aggregate classification (germline): Uncertain significance (1 of 4 stars; one submission).

Conditions:
Cardiovascular phenotype. Identifiers: MedGen CN230736.

Submission:

Ambry Genetics
Classification: Uncertain significance for Cardiovascular phenotype. Last evaluated: 2023-10-11. Review status: criteria provided, single submitter. Criteria: Ambry Variant Classification Scheme 2023. Collection method: clinical testing. Allele origin: germline.
Comment: The c.5317_5319delAAG variant (also known as p.K1773del) is located in coding exon 34 of the MYH6 gene. This variant results from an in-frame AAG deletion at nucleotide positions 5317 to 5319. This results in the in-frame deletion of a lysine at codon 1773. This amino acid position is highly conserved in available vertebrate species. In addition, this alteration is predicted to be deleterious by in silico analysis (Choi Y et al. PLoS ONE. 2012; 7(10):e46688). Since supporting evidence is limited at this time, the clinical significance of this alteration remains unclear.

NM_002471.4(MYH6):c.5314AAG[1] (p.Lys1773del)

Gene: MYH6 (myosin heavy chain 6; minus strand). Cytogenetic location: 14q11.2.
Variant type: Microsatellite.
Coding change: c.5314AAG[1] on transcript NM_002471.4 (MANE Select); one copy of the 3-base unit AAG starting at c.5314; the reference has two copies in a row; one copy, 3 bases deleted.
Protein change: p.Lys1773del; deletes lysine 1773.
Molecular consequence: inframe deletion. On other transcripts: inframe indel (2).
Genome position (GRCh38, 1-based): chr14:23,384,688-23,384,690, CTT deleted on the plus strand (AAG on the coding strand, the reverse complement: MYH6 is on the minus strand); deleting any 3 consecutive bases within chr14:23,384,688-23,384,694 gives the same sequence; the position shown is the placement nearest the transcript's 3' end. VCF-style (leftmost placement, unchanged base first): chr14-23384687-CCTT-C. GRCh37 (hg19) VCF-style: chr14-23853896-CCTT-C.
Other names: c.5313_5315GAA[1], p.Lys1773del (NM_002471.3); c.5317_5319delAAG (NM_002471.3); short protein forms K1773del.
Identifiers: ClinVar variation 3222353 (VCV003222353.1), dbSNP rs2502137291, ClinGen allele CA2825002212.